The following is an entry in ClinVar:

NM_001322934.2(NFKB2):c.1183A>T (p.Met395Leu)

Genes: NFKB2 (nuclear factor kappa B subunit 2; plus strand), LOC130004599 (ATAC-STARR-seq lymphoblastoid silent region 2756; plus strand). Cytogenetic location: 10q24.32.
Variant type: single nucleotide variant.
Coding change: c.1183A>T on transcript NM_001322934.2 (MANE Select); coding-DNA position 1183, A replaced by T.
Protein change: p.Met395Leu; replaces methionine 395 with leucine.
Molecular consequence: missense variant.
Genome position (GRCh38, 1-based): chr10:102,399,353, A>T. VCF-style: chr10-102399353-A-T. GRCh37 (hg19) VCF-style: chr10-104159110-A-T.
Other names: c.1183A>T, p.Met395Leu (NM_001077493.1, NM_001077494.3, NM_001261403.3 and 2 more transcripts); c.1057A>T, p.Met353Leu (NM_001322935.1); short protein forms M395L, M353L.
Identifiers: ClinVar variation 1937787 (VCV001937787.5), dbSNP rs1461691110, ClinGen allele CA377898792.

ClinVar aggregate classification (germline): Uncertain significance (1 of 4 stars; one submission).

Conditions:
Immunodeficiency, common variable, 10. Also called: IMMUNODEFICIENCY, COMMON VARIABLE, WITH CENTRAL ADRENAL INSUFFICIENCY; DEFICIT IN ANTERIOR PITUITARY FUNCTION AND VARIABLE IMMUNODEFICIENCY. Identifiers: MedGen C3809991, MONDO:0014260, OMIM 615577.

Allele frequency attached by ClinVar (database versions not stated): gnomAD 0.00001; 1000 Genomes Project 30x 0.00031.

Submission:

Labcorp Genetics (formerly Invitae), Labcorp
Classification: Uncertain significance for Immunodeficiency, common variable, 10. Last evaluated: 2025-03-21. Review status: criteria provided, single submitter. Criteria: Invitae Variant Classification Sherloc (09022015). Collection method: clinical testing. Allele origin: germline.
Comment: This sequence change replaces methionine, which is neutral and non-polar, with leucine, which is neutral and non-polar, at codon 395 of the NFKB2 protein (p.Met395Leu). The frequency data for this variant in the population databases is considered unreliable, as metrics indicate poor data quality at this position in the gnomAD database. This variant has not been reported in the literature in individuals affected with NFKB2-related conditions. ClinVar contains an entry for this variant (Variation ID: 1937787). An algorithm developed to predict the effect of missense changes on protein structure and function (PolyPhen-2) suggests that this variant is likely to be tolerated. In summary, the available evidence is currently insufficient to determine the role of this variant in disease. Therefore, it has been classified as a Variant of Uncertain Significance.